The following is an entry in ClinVar:

ClinVar aggregate classification (germline): Uncertain significance (1 of 4 stars; one submission).

Conditions:
Developmental and epileptic encephalopathy, 31A. Also called: Epileptic encephalopathy, early infantile, 31; Developmental and epileptic encephalopathy, 31. Identifiers: Orphanet 2382, MedGen C4225357, MONDO:0014598, OMIM 616346.

Submission:

Labcorp Genetics (formerly Invitae), Labcorp
Classification: Uncertain significance for Developmental and epileptic encephalopathy, 31A. Last evaluated: 2025-12-30. Review status: criteria provided, single submitter. Criteria: Invitae Variant Classification Sherloc (09022015). Collection method: clinical testing. Allele origin: germline.
Comment: This sequence change replaces glutamine, which is neutral and polar, with histidine, which is basic and polar, at codon 711 of the DNM1 protein (p.Gln711His). This variant is not present in population databases (gnomAD no frequency). This variant has not been reported in the literature in individuals affected with DNM1-related conditions. Invitae Evidence Modeling of protein sequence and biophysical properties (such as structural, functional, and spatial information, amino acid conservation, physicochemical variation, residue mobility, and thermodynamic stability) indicates that this missense variant is not expected to disrupt DNM1 protein function with a negative predictive value of 80%. In summary, the available evidence is currently insufficient to determine the role of this variant in disease. Therefore, it has been classified as a Variant of Uncertain Significance.

NM_004408.4(DNM1):c.2133G>T (p.Gln711His)

Gene: DNM1 (dynamin 1; plus strand). Cytogenetic location: 9q34.11.
Variant type: single nucleotide variant.
Coding change: c.2133G>T on transcript NM_004408.4 (MANE Select); coding-DNA position 2133, G replaced by T.
Protein change: p.Gln711His; replaces glutamine 711 with histidine.
Molecular consequence: missense variant.
Genome position (GRCh38, 1-based): chr9:128,250,171, G>T. VCF-style: chr9-128250171-G-T. GRCh37 (hg19) VCF-style: chr9-131012450-G-T.
Other names: c.2133G>T, p.Gln711His (NM_001005336.3, NM_001288737.2, NM_001288738.2 and 2 more transcripts); short protein forms Q711H.
Identifiers: ClinVar variation 4737072 (VCV004737072.1).